The following is an entry in ClinVar:

ClinVar aggregate classification (germline): Uncertain significance (1 of 4 stars; one submission).

Submission:

GeneDx
Classification: Uncertain significance. Last evaluated: 2024-07-17. Review status: criteria provided, single submitter. Criteria: GeneDx Variant Classification Process June 2021. Collection method: clinical testing. Allele origin: germline. Affected: yes.
Comment: Not observed at significant frequency in large population cohorts (gnomAD); In silico analysis supports that this missense variant has a deleterious effect on protein structure/function; Has not been previously published as pathogenic or benign to our knowledge

NM_000719.7(CACNA1C):c.2750T>A (p.Leu917Gln)

Gene: CACNA1C (calcium voltage-gated channel subunit alpha1 C; plus strand). Cytogenetic location: 12p13.33.
Variant type: single nucleotide variant.
Coding change: c.2750T>A on transcript NM_000719.7 (MANE Select); coding-DNA position 2750, T replaced by A.
Protein change: p.Leu917Gln; replaces leucine 917 with glutamine.
Molecular consequence: missense variant.
Genome position (GRCh38, 1-based): chr12:2,595,960, T>A. VCF-style: chr12-2595960-T-A. GRCh37 (hg19) VCF-style: chr12-2705126-T-A.
Other names: c.2750T>A, p.Leu917Gln (NM_001129827.2, NM_001129829.2, NM_001129830.3 and 18 more transcripts); c.2741T>A, p.Leu914Gln (NM_001129844.2); short protein forms L914Q, L917Q.
Identifiers: ClinVar variation 3573665 (VCV003573665.1).